The following is an entry in ClinVar:

ClinVar aggregate classification (germline): Likely benign. Review status: reviewed by expert panel (3 of 4 stars). 8 submissions from 8 submitters: Likely benign (1). 7 of the submissions do not count toward it. Last evaluated 2017-06-29.

Conditions:
Hereditary cancer-predisposing syndrome. Also called: Hereditary Cancer Syndrome; Hereditary neoplastic syndrome; Tumor predisposition; Neoplastic Syndromes, Hereditary. Identifiers: Orphanet 140162, MedGen C0027672, MeSH D009386, MONDO:0015356.
Hereditary breast ovarian cancer syndrome. Also called: Hereditary breast and ovarian cancer syndrome; Hereditary breast and ovarian cancer syndrome (HBOC); BRCA1- and BRCA2-Associated Hereditary Breast and Ovarian Cancer; Breast and ovarian cancer; Hereditary breast and ovarian cancer; Hereditary breast and/or ovarian cancer syndrome. Identifiers: Orphanet 145, MedGen C0677776, MeSH D061325, MONDO:0003582. Disease mechanism: loss of function.
Breast-ovarian cancer, familial, susceptibility to, 1 (BROVCA1). Also called: OVARIAN CANCER, SUSCEPTIBILITY TO; BRCA1 Hereditary Breast and Ovarian Cancer. Identifiers: Orphanet 145, MedGen C2676676, MONDO:0011450, OMIM 604370. Disease mechanism: loss of function.

Allele frequency attached by ClinVar (database versions not stated): gnomAD exomes below 0.00001; ExAC 0.00001; gnomAD 0.00001.
gnomAD v4.1: 4 of 1,613,962 alleles (0.00025%); highest among the groups gnomAD compares: Non-Finnish European, 0.00034%; no homozygotes.

Submissions (8):

Evidence-based Network for the Interpretation of Germline Mutant Alleles (ENIGMA)
Classification: Likely benign for Breast-ovarian cancer, familial, susceptibility to, 1. Last evaluated: 2017-06-29. Review status: reviewed by expert panel. Criteria: ENIGMA BRCA1/2 Classification Criteria (2017-06-29). Collection method: curation. Allele origin: germline.
Comment: Synonymous substitution variant, with low bioinformatic likelihood to result in a splicing aberration (Splicing prior probability 0.02).

Center for Genomic Medicine, Rigshospitalet, Copenhagen University Hospital
Classification: Likely benign. Last evaluated: 2025-12-29. Review status: criteria provided, single submitter. Criteria: ACMG Guidelines, 2015. Collection method: clinical testing. Allele origin: germline. Not counted in ClinVar's aggregate classification.

Labcorp Genetics (formerly Invitae), Labcorp
Classification: Likely benign for Hereditary breast ovarian cancer syndrome. Last evaluated: 2024-06-16. Review status: criteria provided, single submitter. Criteria: Invitae Variant Classification Sherloc (09022015). Collection method: clinical testing. Allele origin: germline. Not counted in ClinVar's aggregate classification.

All of Us Research Program, National Institutes of Health
Classification: Likely benign for Breast-ovarian cancer, familial, susceptibility to, 1. Last evaluated: 2023-03-23. Review status: criteria provided, single submitter. Criteria: ACMG Guidelines, 2015. Collection method: clinical testing. Allele origin: germline. Inheritance: Autosomal dominant inheritance. Observed: 1 variant allele, 1 heterozygote. Not counted in ClinVar's aggregate classification.
Comment: This study involves interpretation of variants in research participants for the purpose of population health screening. Participant phenotype was not available at the time of variant classification. Additional details can be found in publication PMID: 35346344, PMCID: PMC8962531

Women's Health and Genetics/Laboratory Corporation of America, LabCorp
Classification: Likely benign. Last evaluated: 2020-07-23. Review status: criteria provided, single submitter. Criteria: LabCorp Variant Classification Summary - May 2015. Collection method: clinical testing. Allele origin: germline. Not counted in ClinVar's aggregate classification.

GeneDx
Classification: Likely benign. Last evaluated: 2018-04-12. Review status: criteria provided, single submitter. Criteria: GeneDx Variant Classification (06012015). Collection method: clinical testing. Allele origin: germline. Affected: yes. Not counted in ClinVar's aggregate classification.
Comment: This variant is considered likely benign or benign based on one or more of the following criteria: it is a conservative change, it occurs at a poorly conserved position in the protein, it is predicted to be benign by multiple in silico algorithms, and/or has population frequency not consistent with disease.

Color Diagnostics, LLC DBA Color Health
Classification: Likely benign for Hereditary cancer-predisposing syndrome. Last evaluated: 2018-04-10. Review status: criteria provided, single submitter. Criteria: ACMG Guidelines, 2015. Collection method: clinical testing. Allele origin: germline. Not counted in ClinVar's aggregate classification.

Ambry Genetics
Classification: Likely benign for Hereditary cancer-predisposing syndrome. Last evaluated: 2014-09-19. Review status: criteria provided, single submitter. Criteria: Ambry Variant Classification Scheme 2023. Collection method: clinical testing. Allele origin: germline. Not counted in ClinVar's aggregate classification.

NM_007294.4(BRCA1):c.1959A>G (p.Lys653=)

Gene: BRCA1 (BRCA1 DNA repair associated; minus strand). Cytogenetic location: 17q21.31.
Variant type: single nucleotide variant.
Coding change: c.1959A>G on transcript NM_007294.4 (MANE Select); coding-DNA position 1959, A replaced by G.
Protein change: p.Lys653=; no amino-acid change (lysine 653 retained).
Molecular consequence: synonymous variant. On other transcripts: intron variant (137).
Genome position (GRCh38, 1-based): chr17:43,093,572, T>C on the plus strand (A>G on the coding strand, the complement: BRCA1 is on the minus strand). VCF-style: chr17-43093572-T-C. GRCh37 (hg19) VCF-style: chr17-41245589-T-C.
Other names: c.1746A>G, p.Lys582= (NM_001407571.1, NM_001407853.1, NM_001407894.1 and 9 more transcripts); c.1959A>G, p.Lys653= (NM_001407581.1, NM_001407582.1, NM_001407583.1 and 30 more transcripts); c.1956A>G, p.Lys652= (NM_001407587.1, NM_001407590.1, NM_001407591.1 and 22 more transcripts); c.1950A>G, p.Lys650= (NM_001407646.1, NM_001407647.1); c.1836A>G, p.Lys612= (NM_001407648.1, NM_001407664.1, NM_001407665.1 and 19 more transcripts); c.1833A>G, p.Lys611= (NM_001407649.1, NM_001407670.1, NM_001407671.1 and 11 more transcripts); c.1881A>G, p.Lys627= (NM_001407653.1, NM_001407654.1, NM_001407655.1 and 4 more transcripts); c.1878A>G, p.Lys626= (NM_001407659.1, NM_001407660.1, NM_001407661.1 and 1 more transcripts); and 40 more.
Identifiers: ClinVar variation 186453 (VCV000186453.24), dbSNP rs767530204, ClinGen allele CA001298.